The following is an entry in ClinVar:

ClinVar aggregate classification (germline): Uncertain significance (1 of 4 stars; one submission).

gnomAD v4.1: 11 of 152,172 alleles (0.0072%); highest among the groups gnomAD compares: Non-Finnish European, 0.016%; no homozygotes.

Submission:

Greenwood Genetic Center Diagnostic Laboratories, Greenwood Genetic Center
Classification: Uncertain significance. Last evaluated: 2026-06-02. Review status: criteria provided, single submitter. Criteria: ACMG Guidelines, 2015. Collection method: clinical testing. Allele origin: germline.
Comment: PM2, BP4

NM_000124.4(ERCC6):c.1397+2724G>A

Genes: ERCC6 (ERCC excision repair 6, chromatin remodeling factor; minus strand), PGBD3 (piggyBac transposable element derived 3; minus strand). Cytogenetic location: 10q11.23.
Variant type: single nucleotide variant.
Coding change: c.1397+2724G>A on transcript NM_000124.4 (MANE Select); 2724 bases into the intron after coding-DNA position 1397, G replaced by A.
Molecular consequence: intron variant.
Genome position (GRCh38, 1-based): chr10:49,521,309, C>T on the plus strand (G>A on the coding strand, the complement: ERCC6 is on the minus strand). VCF-style: chr10-49521309-C-T. GRCh37 (hg19) VCF-style: chr10-50729355-C-T.
Other names: c.1397+2724G>A (NM_001346440.2, NM_001277059.2, NM_001277058.2); c.-8+2724G>A (NM_170753.3).
Identifiers: ClinVar variation 4891120 (VCV004891120.1).
Genomic context (GRCh38, chr10:49,521,309, plus strand): 5'-GACCTGATCTTTATCACCCTGAAGGGGAAAGGTTCACATGAAATGTTTGGTCTTCTGGGC[C>T]ACACAGGGCTGTCTTGGCTGCACAGCCTGTACTAGGTAAGCAGCATGTAGGTGCTCACCG-3'